The following is an entry in ClinVar:

ClinVar aggregate classification (germline): Uncertain significance (1 of 4 stars; one submission).

gnomAD v4.1: 8 of 1,606,588 alleles (0.0005%); highest among the groups gnomAD compares: Non-Finnish European, 0.00068%; no homozygotes.

Submission:

Labcorp Genetics (formerly Invitae), Labcorp
Classification: Uncertain significance. Last evaluated: 2024-02-15. Review status: criteria provided, single submitter. Criteria: Invitae Variant Classification Sherloc (09022015). Collection method: clinical testing. Allele origin: germline.
Comment: This sequence change replaces alanine, which is neutral and non-polar, with valine, which is neutral and non-polar, at codon 246 of the MYO7A protein (p.Ala246Val). This variant is not present in population databases (gnomAD no frequency). This variant has not been reported in the literature in individuals affected with MYO7A-related conditions. An algorithm developed to predict the effect of missense changes on protein structure and function (PolyPhen-2) suggests that this variant is likely to be tolerated. In summary, the available evidence is currently insufficient to determine the role of this variant in disease. Therefore, it has been classified as a Variant of Uncertain Significance.

NM_000260.4(MYO7A):c.737C>T (p.Ala246Val)

Gene: MYO7A (myosin VIIA; plus strand). Cytogenetic location: 11q13.5.
Variant type: single nucleotide variant.
Coding change: c.737C>T on transcript NM_000260.4 (MANE Select); coding-DNA position 737, C replaced by T.
Protein change: p.Ala246Val; replaces alanine 246 with valine.
Molecular consequence: missense variant.
Genome position (GRCh38, 1-based): chr11:77,157,280, C>T. VCF-style: chr11-77157280-C-T. GRCh37 (hg19) VCF-style: chr11-76868326-C-T.
Other names: c.737C>T, p.Ala246Val (NM_001127180.2); c.704C>T, p.Ala235Val (NM_001369365.1); short protein forms A235V, A246V.
Identifiers: ClinVar variation 3705959 (VCV003705959.2).